The following is an entry in ClinVar:

NM_000465.4(BARD1):c.1349dup (p.Asn450fs)

Gene: BARD1 (BRCA1 associated RING domain 1; minus strand). Cytogenetic location: 2q35.
Variant type: Duplication.
Coding change: c.1349dup on transcript NM_000465.4 (MANE Select); coding-DNA position 1349, one base duplicated (A; older notation c.1349dupA).
Protein change: p.Asn450fs; shifts the reading frame from asparagine 450.
Molecular consequence: frameshift variant. On other transcripts: non-coding transcript variant (3), intron variant (3).
Genome position (GRCh38, 1-based): chr2:214,769,278, T duplicated on the plus strand (A on the coding strand, the reverse complement: BARD1 is on the minus strand); the first of 4 consecutive T bases (chr2:214,769,278-214,769,281); duplicating any one gives the same sequence. VCF-style (leftmost placement, unchanged base first): chr2-214769277-A-AT. GRCh37 (hg19) VCF-style: chr2-215634001-A-AT.
Other names: c.1292dup, p.Asn431fs (NM_001282543.2); c.159-16726dup (NM_001282548.2); c.216-16726dup (NM_001282545.2); c.364+23016dup (NM_001282549.2); c.1349dupA (NM_000465.2, NM_000465.4); short protein forms N450fs, N431fs.
Identifiers: ClinVar variation 233414 (VCV000233414.17), dbSNP rs876660390, ClinGen allele CA10577808.
Genomic context (GRCh38, chr2:214,769,277, plus strand): 5'-AAACCAGACAACTACCAATGGTGTCCATCCAGCATGGTCTTTAACATTTGGATCACTTCC[A>AT]TTTTGTAAAAGGTATTCAACAGAAGGTATGTCGCCCTAGAAAAATGAACAAAACGGAAAT-3'

ClinVar aggregate classification (germline): Pathogenic/Likely pathogenic. Review status: criteria provided, multiple submitters, no conflicts (2 of 4 stars). 8 submissions from 8 submitters: Pathogenic (6); Likely pathogenic (2). Last evaluated 2024-11-06.

Conditions:
Hereditary breast ovarian cancer syndrome. Also called: Hereditary breast and ovarian cancer syndrome; BRCA1- and BRCA2-Associated Hereditary Breast and Ovarian Cancer; Breast and ovarian cancer; Hereditary breast and/or ovarian cancer syndrome; Hereditary breast and ovarian cancer; Hereditary breast and ovarian cancer syndrome (HBOC). Identifiers: Orphanet 145, MedGen C0677776, MeSH D061325, MONDO:0003582. Disease mechanism: loss of function.
Hereditary cancer-predisposing syndrome. Also called: Neoplastic Syndromes, Hereditary; Tumor predisposition; Hereditary Cancer Syndrome; Hereditary neoplastic syndrome. Identifiers: Orphanet 140162, MedGen C0027672, MeSH D009386, MONDO:0015356.
Familial cancer of breast. Also called: BREAST CANCER, FAMILIAL; hereditary breast carcinoma; Hereditary breast cancer. Identifiers: Orphanet 227535, MedGen C0346153, MONDO:0016419, OMIM 114480. Disease mechanism: loss of function.

Submissions (8):

Molecular Diagnostics Laboratory, Catalan Institute of Oncology
Classification: Likely pathogenic for Hereditary cancer-predisposing syndrome. Last evaluated: 2024-11-06. Review status: criteria provided, single submitter. Criteria: ACMG Guidelines, 2015. Collection method: clinical testing. Allele origin: germline.
Comment: PVS1_, PM2_Supporting c.1349dup, located in exon 5 of the BARD1 gene, consists in the duplication of 1 nucleotide, causing a translational frameshift with a predicted alternate stop codon p.(Asn450Lysfs*4). This alteration is expected to result in loss of function by premature protein truncation and nonsense-mediated mRNA decay (PVS1). It is not present in the population database gnomAD v2.1.1, non-cancer dataset (PM2_supporting). To our knowledge, neither relevant clinical data nor well-established functional studies have been reported for this variant. It has been identified in at least 3 cancer-affected individuals (PMID: 33498765 and data from our internal cohort) This variant has been reported in the ClinVar database (6x pathogenic, 1x likely pathogenic), and has not been reported in the LOVD. Based on currently available information, the variant c.1349dup should be considered a likely pathogenic variant, according to ACMG/AMP classification guidelines.

Labcorp Genetics (formerly Invitae), Labcorp
Classification: Pathogenic for Familial cancer of breast. Last evaluated: 2024-06-28. Review status: criteria provided, single submitter. Criteria: Invitae Variant Classification Sherloc (09022015). Collection method: clinical testing. Allele origin: germline.
Comment: This sequence change creates a premature translational stop signal (p.Asn450Lysfs*4) in the BARD1 gene. It is expected to result in an absent or disrupted protein product. Loss-of-function variants in BARD1 are known to be pathogenic (PMID: 20077502, 21344236). This variant is not present in population databases (gnomAD no frequency). This variant has not been reported in the literature in individuals affected with BARD1-related conditions. ClinVar contains an entry for this variant (Variation ID: 233414). For these reasons, this variant has been classified as Pathogenic.

Myriad Genetics, Inc.
Classification: Pathogenic for Familial cancer of breast. Last evaluated: 2024-02-20. Review status: criteria provided, single submitter. Criteria: Myriad Autosomal Dominant, Autosomal Recessive and X-Linked Classification Criteria (2023). Collection method: clinical testing. Allele origin: unknown.
Comment: This variant is considered pathogenic. This variant creates a frameshift predicted to result in premature protein truncation.

Women's Health and Genetics/Laboratory Corporation of America, LabCorp
Classification: Pathogenic for Hereditary breast ovarian cancer syndrome. Last evaluated: 2024-01-08. Review status: criteria provided, single submitter. Criteria: LabCorp Variant Classification Summary - May 2015. Collection method: clinical testing. Allele origin: germline.
Comment: Variant summary: BARD1 c.1349dupA (p.Asn450LysfsX4) results in a premature termination codon, predicted to cause a truncation of the encoded protein or absence of the protein due to nonsense mediated decay, which are commonly known mechanisms for disease. The variant was absent in 251306 control chromosomes. c.1349dupA has been reported in the literature in individuals affected with Hereditary Breast And Ovarian Cancer Syndrome (e.g. Rofes_2021). To our knowledge, no experimental evidence demonstrating an impact on protein function has been reported. The following publication has been ascertained in the context of this evaluation (PMID: 33498765). ClinVar contains an entry for this variant (Variation ID: 233414). Based on the evidence outlined above, the variant was classified as pathogenic.

Ambry Genetics
Classification: Pathogenic for Hereditary cancer-predisposing syndrome. Last evaluated: 2023-10-13. Review status: criteria provided, single submitter. Criteria: Ambry Variant Classification Scheme 2023. Collection method: clinical testing. Allele origin: germline.
Comment: The c.1349dupA pathogenic mutation, located in coding exon 5 of the BARD1 gene, results from a duplication of A at nucleotide position 1349, causing a translational frameshift with a predicted alternate stop codon (p.N450Kfs*4). This alteration is expected to result in loss of function by premature protein truncation or nonsense-mediated mRNA decay. As such, this alteration is interpreted as a disease-causing mutation.

Clinical Genetics Laboratory, Skane University Hospital Lund
Classification: Pathogenic. Last evaluated: 2022-05-27. Review status: criteria provided, single submitter. Criteria: ACMG Guidelines, 2015. Collection method: clinical testing. Allele origin: germline. Affected: yes.

Mendelics
Classification: Pathogenic for Familial cancer of breast. Last evaluated: 2022-05-04. Review status: criteria provided, single submitter. Criteria: Mendelics Assertion Criteria 2019. Collection method: clinical testing. Allele origin: germline.

Baylor Genetics
Classification: Likely pathogenic for Familial cancer of breast. Last evaluated: 2021-06-02. Review status: criteria provided, single submitter. Criteria: ACMG Guidelines, 2015. Collection method: clinical testing. Allele origin: unknown.

Literature cited by the submitters: PubMed 20077502 (cited by Labcorp Genetics (formerly Invitae), Labcorp); PubMed 21344236 (cited by Labcorp Genetics (formerly Invitae), Labcorp); PubMed 33498765 (cited by Women's Health and Genetics/Laboratory Corporation of America, LabCorp).